The following is an entry in ClinVar:

ClinVar aggregate classification (germline): Uncertain significance (1 of 4 stars; one submission).

Submission:

Labcorp Genetics (formerly Invitae), Labcorp
Classification: Uncertain significance. Last evaluated: 2025-08-24. Review status: criteria provided, single submitter. Criteria: Invitae Variant Classification Sherloc (09022015). Collection method: clinical testing. Allele origin: germline.
Comment: This sequence change replaces glutamine, which is neutral and polar, with arginine, which is basic and polar, at codon 446 of the LRRC56 protein (p.Gln446Arg). This variant is not present in population databases (gnomAD no frequency). This variant has not been reported in the literature in individuals affected with LRRC56-related conditions. Invitae Evidence Modeling of protein sequence and biophysical properties (such as structural, functional, and spatial information, amino acid conservation, physicochemical variation, residue mobility, and thermodynamic stability) indicates that this missense variant is not expected to disrupt LRRC56 protein function with a negative predictive value of 80%. In summary, the available evidence is currently insufficient to determine the role of this variant in disease. Therefore, it has been classified as a Variant of Uncertain Significance.

NM_198075.4(LRRC56):c.1337A>G (p.Gln446Arg)

Gene: LRRC56 (leucine rich repeat containing 56; plus strand). Cytogenetic location: 11p15.5.
Variant type: single nucleotide variant.
Coding change: c.1337A>G on transcript NM_198075.4 (MANE Select); coding-DNA position 1337, A replaced by G.
Protein change: p.Gln446Arg; replaces glutamine 446 with arginine.
Molecular consequence: missense variant.
Genome position (GRCh38, 1-based): chr11:553,984, A>G. VCF-style: chr11-553984-A-G. GRCh37 (hg19) VCF-style: chr11-553984-A-G.
Other names: c.1337A>G, p.Gln446Arg (NM_001441283.1, NM_001441284.1); c.1160A>G, p.Gln387Arg (NM_001441285.1, NM_001441286.1); short protein forms Q387R, Q446R.
Identifiers: ClinVar variation 4805311 (VCV004805311.1).